The following is an entry in ClinVar:

ClinVar aggregate classification (germline): Likely pathogenic (1 of 4 stars; one submission).

Conditions:
Nemaline myopathy 2 (NEM2). Also called: Nemaline myopathy 2, autosomal recessive. Identifiers: MedGen C1850569, MONDO:0009725, OMIM 256030.

Allele frequency attached by ClinVar (database versions not stated): gnomAD exomes below 0.00001.
gnomAD v4.1: 2 of 1,610,336 alleles (0.00012%); highest among the groups gnomAD compares: Non-Finnish European, 0.00017%; no homozygotes.

Submission:

Labcorp Genetics (formerly Invitae), Labcorp
Classification: Likely pathogenic for Nemaline myopathy 2. Last evaluated: 2023-01-17. Review status: criteria provided, single submitter. Criteria: Invitae Variant Classification Sherloc (09022015). Collection method: clinical testing. Allele origin: germline.
Comment: In summary, the currently available evidence indicates that the variant is pathogenic, but additional data are needed to prove that conclusively. Therefore, this variant has been classified as Likely Pathogenic. Algorithms developed to predict the effect of sequence changes on RNA splicing suggest that this variant may disrupt the consensus splice site. This variant has not been reported in the literature in individuals affected with NEB-related conditions. This variant is not present in population databases (gnomAD no frequency). This sequence change affects a donor splice site in intron 162 of the NEB gene. It is expected to disrupt RNA splicing. Variants that disrupt the donor or acceptor splice site typically lead to a loss of protein function (PMID: 16199547), and loss-of-function variants in NEB are known to be pathogenic (PMID: 25205138).

Literature cited by the submitters: PubMed 16199547; PubMed 25205138.

NM_001164508.2(NEB):c.23346+1G>A

Genes: NEB (nebulin; minus strand), RIF1 (replication timing regulatory factor 1; plus strand). Cytogenetic location: 2q23.3.
Variant type: single nucleotide variant.
Coding change: c.23346+1G>A on transcript NM_001164508.2 (MANE Select); the canonical splice donor site of the intron after coding-DNA position 23346, G replaced by A.
Molecular consequence: splice donor variant.
Genome position (GRCh38, 1-based): chr2:151,512,732, C>T on the plus strand (G>A on the coding strand, the complement: NEB is on the minus strand). VCF-style: chr2-151512732-C-T. GRCh37 (hg19) VCF-style: chr2-152369246-C-T.
Other names: c.18243+1G>A (NM_004543.5); c.23346+1G>A (NM_001164507.2); c.23451+1G>A (NM_001271208.2).
Identifiers: ClinVar variation 2829687 (VCV002829687.3), dbSNP rs113916636, ClinGen allele CA57617132.